The following is an entry in ClinVar:

ClinVar aggregate classification (germline): Conflicting classifications of pathogenicity. Review status: criteria provided, conflicting classifications (1 of 4 stars). 4 submissions from 2 submitters: Uncertain significance (1); Benign (3). Last evaluated 2022-10-01.

Conditions:
Ehlers-Danlos syndrome, arthrochalasia type. Also called: ARTHROCHALASIS MULTIPLEX CONGENITA; EDS VII, MUTANT PROCOLLAGEN TYPE; EDS VIIA; Ehlers-Danlos syndrome, arthrochalasis type; Ehlers-Danlos syndrome, arthrochalasia type, 1. Identifiers: Orphanet 1899, Orphanet 99875, Orphanet 99876, MedGen C4551623, MONDO:0007525, OMIM 130060.
Infantile cortical hyperostosis. Also called: Hyperostosis, Cortical, Congenital; Caffey Disease; P1PK BLOOD GROUP SYSTEM, P(2) PHENOTYPE. Identifiers: Orphanet 1310, MedGen C0020497, MONDO:0007244, OMIM 114000.
Osteogenesis imperfecta (OI). Identifiers: Orphanet 666, MedGen C0029434, MeSH D010013, MONDO:0019019.

Allele frequency attached by ClinVar (database versions not stated): gnomAD 0.00015 and 0.00016; 1000 Genomes Project 30x 0.00047; 1000 Genomes Project 0.00060.
gnomAD v4.1: 75 of 504,744 alleles (0.015%); highest among the groups gnomAD compares: Middle Eastern, 0.11%; 1 homozygote.

Submissions (4):

CeGaT Center for Human Genetics Tuebingen
Classification: Benign. Last evaluated: 2022-10-01. Review status: criteria provided, single submitter. Criteria: CeGaT Center For Human Genetics Tuebingen Variant Classification Criteria Version 2. Collection method: clinical testing. Allele origin: germline. Affected: yes. Observed: 1 variant allele.
Comment: COL1A1: BS1, BS2

Illumina Laboratory Services, Illumina
Classification: Uncertain significance for Infantile cortical hyperostosis. Last evaluated: 2018-01-12. Review status: criteria provided, single submitter. Criteria: ICSL Variant Classification Criteria 13 December 2019. Collection method: clinical testing. Allele origin: germline.

Illumina Laboratory Services, Illumina
Classification: Benign for Osteogenesis imperfecta. Last evaluated: 2018-01-12. Review status: criteria provided, single submitter. Criteria: ICSL Variant Classification Criteria 13 December 2019. Collection method: clinical testing. Allele origin: germline.
Comment: This variant was observed in the ICSL laboratory as part of a predisposition screen in an ostensibly healthy population. It had not been previously curated by ICSL or reported in the Human Gene Mutation Database (HGMD: prior to June 1st, 2018), and was therefore a candidate for classification through an automated scoring system. Utilizing variant allele frequency, disease prevalence and penetrance estimates, and inheritance mode, an automated score was calculated to assess if this variant is too frequent to cause the disease. Based on the score and internal cut-off values, a variant classified as benign is not then subjected to further curation. The score for this variant resulted in a classification of benign for this disease.

Illumina Laboratory Services, Illumina
Classification: Benign for Ehlers-Danlos syndrome, arthrochalasia type. Last evaluated: 2018-01-12. Review status: criteria provided, single submitter. Criteria: ICSL Variant Classification Criteria 13 December 2019. Collection method: clinical testing. Allele origin: germline.
Comment: the same text as in the submission from Illumina Laboratory Services, Illumina above.

NM_000088.4(COL1A1):c.*202A>G

Gene: COL1A1 (collagen type I alpha 1 chain; minus strand). Cytogenetic location: 17q21.33.
Variant type: single nucleotide variant.
Coding change: c.*202A>G on transcript NM_000088.4 (MANE Select); 202 bases downstream of the stop codon, A replaced by G.
Molecular consequence: 3 prime UTR variant.
Genome position (GRCh38, 1-based): chr17:50,185,300, T>C on the plus strand (A>G on the coding strand, the complement: COL1A1 is on the minus strand). VCF-style: chr17-50185300-T-C. GRCh37 (hg19) VCF-style: chr17-48262661-T-C.
Identifiers: ClinVar variation 324091 (VCV000324091.34), dbSNP rs564917505, ClinGen allele CA10649649.